The following is an entry in ClinVar:

NM_007294.4(BRCA1):c.5193+13T>A

Gene: BRCA1 (BRCA1 DNA repair associated; minus strand). Cytogenetic location: 17q21.31.
Variant type: single nucleotide variant.
Coding change: c.5193+13T>A on transcript NM_007294.4 (MANE Select); 13 bases into the intron after coding-DNA position 5193, T replaced by A.
Molecular consequence: intron variant.
Genome position (GRCh38, 1-based): chr17:43,063,320, A>T on the plus strand (T>A on the coding strand, the complement: BRCA1 is on the minus strand). VCF-style: chr17-43063320-A-T. GRCh37 (hg19) VCF-style: chr17-41215337-A-T.
Other names: IVS19+13G>A; c.1740+13T>A (NM_001408458.1, NM_001408461.1, NM_001408464.1 and 7 more transcripts); c.4302+13T>A (NM_001407967.1); c.4812+13T>A (NM_001407959.1); c.4926+13T>A (NM_001407931.1, NM_001407932.1, NM_001407928.1 and 4 more transcripts); c.5049+13T>A (NM_001407747.1, NM_001407745.1, NM_001407737.1 and 21 more transcripts); c.4809+13T>A (NM_001407962.1, NM_001407960.1); c.1380+13T>A (NM_001408512.1); and 73 more.
Identifiers: ClinVar variation 125794 (VCV000125794.4), dbSNP rs273901750, ClinGen allele CA290825081.
Genomic context (GRCh38, chr17:43,063,320, plus strand): 5'-AAGGAAGCAAATACATTTTTAACTATATGACTGAATGAATATCTCTGGTTAGTTTGTAAC[A>T]TCAAGTACTTACCTCATTCAGCATTTTTCTTTCTTTAATAGACTGGGTCACCCCTAAAGA-3'

ClinVar aggregate classification (germline): Uncertain significance (0 of 4 stars; one submission).

Conditions:
Breast-ovarian cancer, familial, susceptibility to, 1 (BROVCA1). Also called: BRCA1 Hereditary Breast and Ovarian Cancer; OVARIAN CANCER, SUSCEPTIBILITY TO. Identifiers: Orphanet 145, MedGen C2676676, MONDO:0011450, OMIM 604370. Disease mechanism: loss of function.

Submissions (2):

Breast Cancer Information Core (BIC) (BRCA1)
Classification: Uncertain significance for Breast-ovarian cancer, familial 1. Last evaluated: 1999-04-12. Review status: no assertion criteria provided. Collection method: clinical testing. Allele origin: germline. Affected: yes. Observed: 1 variant allele.

Brotman Baty Institute, University of Washington
No classification provided (evidence only). Condition: Breast-ovarian cancer, familial 1. Review status: no classification provided. Collection method: in vitro. Allele origin: not applicable. Functional consequence: functionally_normal. Not counted in ClinVar's aggregate classification.
ClinVar note: "not provided" was previously submitted as the classification for the variant. However, the classification appeared to be based only on an observation of functional data so it was converted to no classification on 2025-07-30.